The following is an entry in ClinVar:

ClinVar aggregate classification (germline): Uncertain significance. Review status: criteria provided, multiple submitters, no conflicts (2 of 4 stars). 2 submissions from 2 submitters: Uncertain significance (2). Last evaluated 2024-02-21.

Conditions:
Developmental and epileptic encephalopathy, 85, with or without midline brain defects. Also called: EPILEPTIC ENCEPHALOPATHY, EARLY INFANTILE, 85, WITH OR WITHOUT MIDLINE BRAIN DEFECTS. Identifiers: MedGen C5393312, MONDO:0026771, OMIM 301044.
Congenital muscular hypertrophy-cerebral syndrome (CDLS2). Also called: Cornelia de Lange syndrome 2; SMC1A-Related Cornelia de Lange Syndrome. Identifiers: Orphanet 199, MedGen C1802395, MONDO:0010370, OMIM 300590.

Allele frequency attached by ClinVar (database versions not stated): gnomAD exomes below 0.00001.
gnomAD v4.1: 1 of 1,208,279 alleles (0.000083%); highest among the groups gnomAD compares: Admixed American, 0.0022%; no homozygotes.

Submissions (2):

Fulgent Genetics
Classification: Uncertain significance for Congenital muscular hypertrophy-cerebral syndrome; Developmental and epileptic encephalopathy, 85, with or without midline brain defects. Last evaluated: 2024-02-21. Review status: criteria provided, single submitter. Criteria: ACMG Guidelines, 2015. Collection method: clinical testing. Allele origin: germline.

Labcorp Genetics (formerly Invitae), Labcorp
Classification: Uncertain significance for Congenital muscular hypertrophy-cerebral syndrome. Last evaluated: 2023-04-01. Review status: criteria provided, single submitter. Criteria: Invitae Variant Classification Sherloc (09022015). Collection method: clinical testing. Allele origin: germline.
Comment: Advanced modeling of protein sequence and biophysical properties (such as structural, functional, and spatial information, amino acid conservation, physicochemical variation, residue mobility, and thermodynamic stability) performed at Invitae indicates that this missense variant is not expected to disrupt SMC1A protein function. In summary, the available evidence is currently insufficient to determine the role of this variant in disease. Therefore, it has been classified as a Variant of Uncertain Significance. This variant has not been reported in the literature in individuals affected with SMC1A-related conditions. This variant is present in population databases (no rsID available, gnomAD 0.004%). This sequence change replaces glutamine, which is neutral and polar, with arginine, which is basic and polar, at codon 1177 of the SMC1A protein (p.Gln1177Arg).

NM_006306.4(SMC1A):c.3530A>G (p.Gln1177Arg)

Gene: SMC1A (structural maintenance of chromosomes 1A; minus strand). Cytogenetic location: Xp11.22.
Variant type: single nucleotide variant.
Coding change: c.3530A>G on transcript NM_006306.4 (MANE Select); coding-DNA position 3530, A replaced by G.
Protein change: p.Gln1177Arg; replaces glutamine 1177 with arginine.
Molecular consequence: missense variant.
Genome position (GRCh38, 1-based): chrX:53,380,708, T>C on the plus strand (A>G on the coding strand, the complement: SMC1A is on the minus strand). VCF-style: chrX-53380708-T-C. GRCh37 (hg19) VCF-style: chrX-53407629-T-C.
Other names: c.3464A>G, p.Gln1155Arg (NM_001281463.1); short protein forms Q1155R, Q1177R.
Identifiers: ClinVar variation 2779633 (VCV002779633.4), dbSNP rs1556885770, ClinGen allele CA413242366.